The following is an entry in ClinVar:

ClinVar aggregate classification (germline): Pathogenic. Review status: criteria provided, single submitter (1 of 4 stars). 2 submissions from 2 submitters: Pathogenic (1). 1 of the submissions does not count toward it. Last evaluated 2022-10-17.

Conditions:
Familial focal epilepsy with variable foci (FPEVF). Identifiers: Orphanet 98820, MedGen C1858477, MONDO:0020310.
Epilepsy, familial focal, with variable foci 1 (FFEVF1). Also called: DEPDC5-Related Epilepsy. Identifiers: MedGen C4551983, MONDO:0024556, OMIM 604364.

Submissions (2):

Labcorp Genetics (formerly Invitae), Labcorp
Classification: Pathogenic for Familial focal epilepsy with variable foci. Last evaluated: 2022-10-17. Review status: criteria provided, single submitter. Criteria: Invitae Variant Classification Sherloc (09022015). Collection method: clinical testing. Allele origin: germline.
Comment: Algorithms developed to predict the effect of sequence changes on RNA splicing suggest that this variant may disrupt the consensus splice site. For these reasons, this variant has been classified as Pathogenic. ClinVar contains an entry for this variant (Variation ID: 264720). This sequence change creates a premature translational stop signal (p.Gln176*) in the DEPDC5 gene. It is expected to result in an absent or disrupted protein product. Loss-of-function variants in DEPDC5 are known to be pathogenic (PMID: 23542697, 23542701). This variant is not present in population databases (gnomAD no frequency). This premature translational stop signal has been observed in individual(s) with nocturnal frontal lobe epilepsy and intellectual disability (PMID: 26505888).

GeneReviews
No classification provided. Condition: Epilepsy, familial focal, with variable foci 1. Review status: no classification provided. Collection method: literature only. Allele origin: germline. Affected: yes. Not counted in ClinVar's aggregate classification.

Literature cited by the submitters: PubMed 23542697 (cited by Labcorp Genetics (formerly Invitae), Labcorp); PubMed 23542701 (cited by Labcorp Genetics (formerly Invitae), Labcorp); PubMed 26505888 (cited by Labcorp Genetics (formerly Invitae), Labcorp and GeneReviews); NCBI Bookshelf NBK385626 (cited by GeneReviews).

NM_001242896.3(DEPDC5):c.526C>T (p.Gln176Ter)

Gene: DEPDC5 (DEP domain containing 5, GATOR1 subcomplex subunit; plus strand). Cytogenetic location: 22q12.2.
Variant type: single nucleotide variant.
Coding change: c.526C>T on transcript NM_001242896.3 (MANE Select); coding-DNA position 526, C replaced by T.
Protein change: p.Gln176Ter; replaces glutamine 176 with a stop codon.
Molecular consequence: nonsense. On other transcripts: non-coding transcript variant (5).
Genome position (GRCh38, 1-based): chr22:31,783,949, C>T. VCF-style: chr22-31783949-C-T. GRCh37 (hg19) VCF-style: chr22-32179935-C-T.
Other names: c.526C>T, p.Gln176Ter (NM_001007188.4, NM_001136029.4, NM_001242897.2 and 7 more transcripts); c.442C>T, p.Gln148Ter (NM_001369901.1, NM_001369902.1); short protein forms Q176*, Q148*.
Identifiers: ClinVar variation 264720 (VCV000264720.12), dbSNP rs886039251, ClinGen allele CA10588028.